The following is an entry in ClinVar:

NM_022464.5(SIL1):c.994G>A (p.Val332Met)

Gene: SIL1 (SIL1 nucleotide exchange factor; minus strand). Cytogenetic location: 5q31.2.
Variant type: single nucleotide variant.
Coding change: c.994G>A on transcript NM_022464.5 (MANE Select); coding-DNA position 994, G replaced by A.
Protein change: p.Val332Met; replaces valine 332 with methionine.
Molecular consequence: missense variant.
Genome position (GRCh38, 1-based): chr5:138,951,206, C>T on the plus strand (G>A on the coding strand, the complement: SIL1 is on the minus strand). VCF-style: chr5-138951206-C-T. GRCh37 (hg19) VCF-style: chr5-138286895-C-T.
Other names: c.994G>A, p.Val332Met (NM_001037633.2); short protein forms V332M.
Identifiers: ClinVar variation 597420 (VCV000597420.18), dbSNP rs202053975, ClinGen allele CA3432420.

ClinVar aggregate classification (germline): Uncertain significance. Review status: criteria provided, multiple submitters, no conflicts (2 of 4 stars). 2 submissions from 2 submitters: Uncertain significance (2). Last evaluated 2025-01-01.

Allele frequency attached by ClinVar (database versions not stated): gnomAD exomes 0.00001 and 0.00002; ExAC 0.00002; gnomAD 0.00004; TOPMed 0.00005; 1000 Genomes Project 30x 0.00016; 1000 Genomes Project 0.00020.
gnomAD v4.1: 25 of 1,610,378 alleles (0.0016%); highest among the groups gnomAD compares: African/African-American, 0.0027%; no homozygotes.

Submissions (2):

CeGaT Center for Human Genetics Tuebingen
Classification: Uncertain significance. Last evaluated: 2025-01-01. Review status: criteria provided, single submitter. Criteria: CeGaT Center For Human Genetics Tuebingen Variant Classification Criteria Version 2. Collection method: clinical testing. Allele origin: germline. Affected: yes. Observed: 1 variant allele.
Comment: SIL1: PM2

Eurofins Ntd Llc (ga)
Classification: Uncertain significance. Last evaluated: 2018-05-25. Review status: criteria provided, single submitter. Criteria: EGL ClinVar v180209 classification definitions. Collection method: clinical testing. Allele origin: germline. Observed: 1 variant allele, 1 heterozygote.